The following is an entry in ClinVar:

NM_004656.4(BAP1):c.1269A>G (p.Thr423=)

Gene: BAP1 (BRCA1 associated deubiquitinase 1; minus strand). Cytogenetic location: 3p21.1.
Variant type: single nucleotide variant.
Coding change: c.1269A>G on transcript NM_004656.4 (MANE Select); coding-DNA position 1269, A replaced by G.
Protein change: p.Thr423=; no amino-acid change (threonine 423 retained).
Molecular consequence: synonymous variant.
Genome position (GRCh38, 1-based): chr3:52,403,876, T>C on the plus strand (A>G on the coding strand, the complement: BAP1 is on the minus strand). VCF-style: chr3-52403876-T-C. GRCh37 (hg19) VCF-style: chr3-52437892-T-C.
Other names: c.1215A>G, p.Thr405= (NM_001410772.1).
Identifiers: ClinVar variation 3379086 (VCV003379086.1).

ClinVar aggregate classification (germline): Benign (1 of 4 stars; one submission).

Conditions:
BAP1-related tumor predisposition syndrome (TPDS1). Also called: BAP1 tumor predisposition syndrome; Tumor susceptibility linked to germline BAP1 mutations; COMMON Syndrome; TUMOR PREDISPOSITION SYNDROME 1. Identifiers: Orphanet 289539, MedGen C3280492, MONDO:0013692, OMIM 614327.

Submission:

Myriad Genetics, Inc.
Classification: Benign for BAP1-related tumor predisposition syndrome. Last evaluated: 2024-07-16. Review status: criteria provided, single submitter. Criteria: Myriad Autosomal Dominant, Autosomal Recessive and X-Linked Classification Criteria (2023). Collection method: clinical testing. Allele origin: unknown.
Comment: This variant is considered benign. This variant is a silent/synonymous amino acid change and it is not expected to impact splicing.